The following is an entry in ClinVar:

ClinVar aggregate classification (germline): Likely benign (1 of 4 stars; one submission).

Allele frequency attached by ClinVar (database versions not stated): 1000 Genomes Project 0.00060; 1000 Genomes Project 30x 0.00062; ExAC 0.00076; gnomAD 0.00083; ESP Exome Variant Server 0.00085; TOPMed 0.00103; gnomAD exomes 0.00104.
gnomAD v4.1: 1,639 of 1,614,090 alleles (0.1%); highest among the groups gnomAD compares: Non-Finnish European, 0.12%; 1 homozygote.

Submission:

CeGaT Center for Human Genetics Tuebingen
Classification: Likely benign. Last evaluated: 2023-04-01. Review status: criteria provided, single submitter. Criteria: CeGaT Center For Human Genetics Tuebingen Variant Classification Criteria Version 2. Collection method: clinical testing. Allele origin: germline. Affected: yes. Observed: 1 variant allele.
Comment: ZNF638: BP4, BP7

NM_014497.5(ZNF638):c.4431G>A (p.Lys1477=)

Genes: ZNF638 (zinc finger protein 638; plus strand), LOC122787135 (Sharpr-MPRA regulatory region 6666; plus strand). Cytogenetic location: 2p13.2.
Variant type: single nucleotide variant.
Coding change: c.4431G>A on transcript NM_014497.5 (MANE Select); coding-DNA position 4431, G replaced by A.
Protein change: p.Lys1477=; no amino-acid change (lysine 1477 retained).
Molecular consequence: synonymous variant.
Genome position (GRCh38, 1-based): chr2:71,423,945, G>A. VCF-style: chr2-71423945-G-A. GRCh37 (hg19) VCF-style: chr2-71651075-G-A.
Other names: c.4431G>A, p.Lys1477= (NM_001252613.2, NM_001014972.3, NM_001252612.2).
Identifiers: ClinVar variation 2651023 (VCV002651023.24), dbSNP rs138196368, ClinGen allele CA1704766.